The following is an entry in ClinVar:

ClinVar aggregate classification (germline): Uncertain significance (1 of 4 stars; one submission).

Conditions:
Cerebral folate transport deficiency. Also called: Neurodegenerative syndrome due to cerebral folate transport deficiency; FOLATE RECEPTOR DEFICIENCY; NEURODEGENERATION DUE TO CEREBRAL FOLATE TRANSPORT DEFICIENCY; FOLR1-Related Cerebral Folate Transport Deficiency; Cerebral folate deficiency syndrome. Identifiers: Orphanet 217382, MedGen C2751584, MONDO:0013110, OMIM 613068. Disease mechanism: loss of function.

Submission:

Labcorp Genetics (formerly Invitae), Labcorp
Classification: Uncertain significance for Cerebral folate transport deficiency. Last evaluated: 2020-03-26. Review status: criteria provided, single submitter. Criteria: Invitae Variant Classification Sherloc (09022015). Collection method: clinical testing. Allele origin: germline.
Comment: This sequence change replaces alanine with valine at codon 93 of the FOLR1 protein (p.Ala93Val). The alanine residue is weakly conserved and there is a small physicochemical difference between alanine and valine. In summary, the available evidence is currently insufficient to determine the role of this variant in disease. Therefore, it has been classified as a Variant of Uncertain Significance. Algorithms developed to predict the effect of sequence changes on RNA splicing suggest that this variant may create or strengthen a splice site, but this prediction has not been confirmed by published transcriptional studies. Algorithms developed to predict the effect of missense changes on protein structure and function (SIFT, PolyPhen-2, Align-GVGD) all suggest that this variant is likely to be tolerated, but these predictions have not been confirmed by published functional studies and their clinical significance is uncertain. This variant has not been reported in the literature in individuals with FOLR1-related conditions. This variant is not present in population databases (ExAC no frequency).

NM_016729.3(FOLR1):c.278C>T (p.Ala93Val)

Genes: FOLR1-AS1 (FOLR1 antisense RNA 1; minus strand), FOLR1 (folate receptor alpha; plus strand). Cytogenetic location: 11q13.4.
Variant type: single nucleotide variant.
Coding change: c.278C>T on transcript NM_016729.3 (MANE Select); coding-DNA position 278, C replaced by T.
Protein change: p.Ala93Val; replaces alanine 93 with valine.
Molecular consequence: missense variant.
Genome position (GRCh38, 1-based): chr11:72,195,380, C>T. VCF-style: chr11-72195380-C-T. GRCh37 (hg19) VCF-style: chr11-71906424-C-T.
Other names: c.278C>T, p.Ala93Val (NM_000802.3, NM_016724.3, NM_016725.3); short protein forms A93V.
Identifiers: ClinVar variation 1011814 (VCV001011814.9), dbSNP rs1006659128, ClinGen allele CA381732318.